The following is an entry in ClinVar:

NM_000540.3(RYR1):c.9511A>C (p.Ser3171Arg)

Gene: RYR1 (ryanodine receptor 1; plus strand). Cytogenetic location: 19q13.2.
Variant type: single nucleotide variant.
Coding change: c.9511A>C on transcript NM_000540.3 (MANE Select); coding-DNA position 9511, A replaced by C.
Protein change: p.Ser3171Arg; replaces serine 3171 with arginine.
Molecular consequence: missense variant.
Genome position (GRCh38, 1-based): chr19:38,515,064, A>C. VCF-style: chr19-38515064-A-C. GRCh37 (hg19) VCF-style: chr19-39005704-A-C.
Other names: c.9511A>C, p.Ser3171Arg (NM_001042723.2); short protein forms S3171R.
Identifiers: ClinVar variation 1187815 (VCV001187815.13), dbSNP rs370851939, ClinGen allele CA073741.

ClinVar aggregate classification (germline): Uncertain significance. Review status: criteria provided, multiple submitters, no conflicts (2 of 4 stars). 5 submissions from 5 submitters: Uncertain significance (5). Last evaluated 2026-03-30.

Conditions:
Central core myopathy (CMYO1A). Also called: CONGENITAL MYOPATHY 1A, AUTOSOMAL DOMINANT, WITH SUSCEPTIBILITY TO MALIGNANT HYPERTHERMIA; Central core disease; Myopathy, central fibrillar. Identifiers: Orphanet 597, MedGen C5830701, MONDO:0007294, OMIM 117000.
Congenital myopathy with fiber type disproportion. Also called: Congenital fiber-type disproportion myopathy; Congenital fiber-type disproportion. Identifiers: Orphanet 2020, MedGen C0546264, MONDO:0009711. Inheritance: all.
Congenital multicore myopathy with external ophthalmoplegia (CMYO1B). Also called: MULTIMINICORE DISEASE WITH EXTERNAL OPHTHALMOPLEGIA; Congenital myopathy 1B, autosomal recessive; Minicore myopathy; MULTICORE MYOPATHY; Minicore myopathy with external ophthalmoplegia. Identifiers: Orphanet 598, Orphanet 98905, MedGen C1850674, MONDO:0009712, OMIM 255320, HP:0003789.
Malignant hyperthermia, susceptibility to, 1 (MHS1). Also called: Anesthesia related hyperthermia; Malignant hyperpyrexia; Fulminating hyperpyrexia; Pharmacogenic myopathy; RYR1-Related Malignant Hyperthermia Susceptibility; Malignant hyperthermia suceptibility 1. Identifiers: Orphanet 423, MedGen C2930980, MONDO:0007783, OMIM 145600.
King Denborough syndrome (KDS). Identifiers: MedGen C1840365, MONDO:0020485, OMIM 619542.
RYR1-related disorder. Also called: RYR1-related disorders; RYR1-related condition. Identifiers: MedGen CN239331.

Allele frequency attached by ClinVar (database versions not stated): gnomAD 0.00001; gnomAD exomes 0.00001; TOPMed 0.00001; ExAC 0.00002; ESP Exome Variant Server 0.00008.
gnomAD v4.1: 7 of 1,578,834 alleles (0.00044%); highest among the groups gnomAD compares: Non-Finnish European, 0.0006%; no homozygotes.

Submissions (5):

Women's Health and Genetics/Laboratory Corporation of America, LabCorp
Classification: Uncertain significance. Last evaluated: 2026-03-30. Review status: criteria provided, single submitter. Criteria: LabCorp Variant Classification Summary - May 2015. Collection method: clinical testing. Allele origin: germline.
Comment: Variant summary: RYR1 c.9511A>C (p.Ser3171Arg) results in a non-conservative amino acid change in the encoded protein sequence. Algorithms developed to predict the effect of missense changes on protein structure and function all suggest that this variant is likely to be disruptive. The variant allele was found at a frequency of 1.2e-05 in 255826 control chromosomes. The available data on variant occurrences in the general population are insufficient to allow any conclusion about variant significance. To our knowledge, no occurrence of c.9511A>C in individuals affected with RYR1-related conditions and no experimental evidence demonstrating its impact on protein function have been reported. The following publication has been ascertained in the context of this evaluation (PMID: 24627108). ClinVar contains an entry for this variant (Variation ID: 1187815). Based on the evidence outlined above, the variant was classified as uncertain significance.

Revvity Omics, Revvity
Classification: Uncertain significance. Last evaluated: 2024-05-21. Review status: criteria provided, single submitter. Criteria: ACMG Guidelines, 2015. Collection method: clinical testing. Allele origin: germline.

Labcorp Genetics (formerly Invitae), Labcorp
Classification: Uncertain significance for RYR1-related disorder. Last evaluated: 2023-10-29. Review status: criteria provided, single submitter. Criteria: Invitae Variant Classification Sherloc (09022015). Collection method: clinical testing. Allele origin: germline.
Comment: This sequence change replaces serine, which is neutral and polar, with arginine, which is basic and polar, at codon 3171 of the RYR1 protein (p.Ser3171Arg). This variant is present in population databases (rs370851939, gnomAD 0.002%). This variant has not been reported in the literature in individuals affected with RYR1-related conditions. ClinVar contains an entry for this variant (Variation ID: 1187815). Advanced modeling of protein sequence and biophysical properties (such as structural, functional, and spatial information, amino acid conservation, physicochemical variation, residue mobility, and thermodynamic stability) has been performed at Invitae for this missense variant, however the output from this modeling did not meet the statistical confidence thresholds required to predict the impact of this variant on RYR1 protein function. In summary, the available evidence is currently insufficient to determine the role of this variant in disease. Therefore, it has been classified as a Variant of Uncertain Significance.

Fulgent Genetics
Classification: Uncertain significance for Central core myopathy; Malignant hyperthermia, susceptibility to, 1; Congenital myopathy 4A, autosomal dominant; Congenital multicore myopathy with external ophthalmoplegia; King Denborough syndrome. Last evaluated: 2021-09-29. Review status: criteria provided, single submitter. Criteria: ACMG Guidelines, 2015. Collection method: clinical testing. Allele origin: unknown.

GeneDx
Classification: Uncertain significance. Last evaluated: 2021-06-11. Review status: criteria provided, single submitter. Criteria: GeneDx Variant Classification Process June 2021. Collection method: clinical testing. Allele origin: germline. Affected: yes.
Comment: Not observed at significant frequency in large population cohorts (Lek et al., 2016); In silico analysis supports that this missense variant has a deleterious effect on protein structure/function; Has not been previously published as pathogenic or benign to our knowledge; This variant is associated with the following publications: (PMID: 12668474, 27535533)

Literature cited by the submitters: PubMed 24627108 (cited by Women's Health and Genetics/Laboratory Corporation of America, LabCorp).